The following is an entry in ClinVar:

ClinVar aggregate classification (germline): Uncertain significance (1 of 4 stars; one submission).

Allele frequency attached by ClinVar (database versions not stated): gnomAD exomes below 0.00001.
gnomAD v4.1: 1 of 1,614,048 alleles (0.000062%); highest among the groups gnomAD compares: Non-Finnish European, 0.000085%; no homozygotes.

Submission:

Labcorp Genetics (formerly Invitae), Labcorp
Classification: Uncertain significance. Last evaluated: 2023-03-26. Review status: criteria provided, single submitter. Criteria: Invitae Variant Classification Sherloc (09022015). Collection method: clinical testing. Allele origin: germline.
Comment: In summary, the available evidence is currently insufficient to determine the role of this variant in disease. Therefore, it has been classified as a Variant of Uncertain Significance. Advanced modeling of protein sequence and biophysical properties (such as structural, functional, and spatial information, amino acid conservation, physicochemical variation, residue mobility, and thermodynamic stability) performed at Invitae indicates that this missense variant is expected to disrupt ZBTB20 protein function. This variant has not been reported in the literature in individuals affected with ZBTB20-related conditions. This variant is not present in population databases (gnomAD no frequency). This sequence change replaces leucine, which is neutral and non-polar, with arginine, which is basic and polar, at codon 582 of the ZBTB20 protein (p.Leu582Arg).

NM_001348800.3(ZBTB20):c.1745T>G (p.Leu582Arg)

Gene: ZBTB20 (zinc finger and BTB domain containing 20; minus strand). Cytogenetic location: 3q13.31.
Variant type: single nucleotide variant.
Coding change: c.1745T>G on transcript NM_001348800.3 (MANE Select); coding-DNA position 1745, T replaced by G.
Protein change: p.Leu582Arg; replaces leucine 582 with arginine.
Molecular consequence: missense variant.
Genome position (GRCh38, 1-based): chr3:114,350,333, A>C on the plus strand (T>G on the coding strand, the complement: ZBTB20 is on the minus strand). VCF-style: chr3-114350333-A-C. GRCh37 (hg19) VCF-style: chr3-114069180-A-C.
Other names: c.1745T>G, p.Leu582Arg (NM_001164342.2, NM_001348803.3, NM_001393393.1 and 1 more transcripts); c.1526T>G, p.Leu509Arg (NM_001164343.2, NM_001164344.4, NM_001164345.4 and 9 more transcripts); short protein forms L582R, L509R.
Identifiers: ClinVar variation 2997281 (VCV002997281.3), dbSNP rs2550499352, ClinGen allele CA354006129.